The following is an entry in ClinVar:

NM_006017.3(PROM1):c.2135G>C (p.Arg712Thr)

Gene: PROM1 (prominin 1; minus strand). Cytogenetic location: 4p15.32.
Variant type: single nucleotide variant.
Coding change: c.2135G>C on transcript NM_006017.3 (MANE Select); coding-DNA position 2135, G replaced by C.
Protein change: p.Arg712Thr; replaces arginine 712 with threonine.
Molecular consequence: missense variant.
Genome position (GRCh38, 1-based): chr4:15,986,033, C>G on the plus strand (G>C on the coding strand, the complement: PROM1 is on the minus strand). VCF-style: chr4-15986033-C-G. GRCh37 (hg19) VCF-style: chr4-15987656-C-G.
Other names: c.2108G>C, p.Arg703Thr (NM_001145847.2, NM_001145848.2, NM_001145851.2 and 4 more transcripts); c.2135G>C, p.Arg712Thr (NM_001145849.2, NM_001145850.2); short protein forms R703T, R712T.
Identifiers: ClinVar variation 3425620 (VCV003425620.2).

ClinVar aggregate classification (germline): Uncertain significance. Review status: criteria provided, multiple submitters, no conflicts (2 of 4 stars). 2 submissions from 2 submitters: Uncertain significance (2). Last evaluated 2025-05-04.

Conditions:
Inborn genetic diseases. Identifiers: MedGen C0950123, MeSH D030342.

gnomAD v4.1: 3 of 1,566,062 alleles (0.00019%); highest among the groups gnomAD compares: Middle Eastern, 0.017%; no homozygotes.

Submissions (2):

Labcorp Genetics (formerly Invitae), Labcorp
Classification: Uncertain significance. Last evaluated: 2025-05-04. Review status: criteria provided, single submitter. Criteria: Invitae Variant Classification Sherloc (09022015). Collection method: clinical testing. Allele origin: germline.
Comment: This sequence change replaces arginine, which is basic and polar, with threonine, which is neutral and polar, at codon 712 of the PROM1 protein (p.Arg712Thr). The frequency data for this variant in the population databases is considered unreliable, as metrics indicate poor data quality at this position in the gnomAD database. This variant has not been reported in the literature in individuals affected with PROM1-related conditions. ClinVar contains an entry for this variant (Variation ID: 3425620). Invitae Evidence Modeling of protein sequence and biophysical properties (such as structural, functional, and spatial information, amino acid conservation, physicochemical variation, residue mobility, and thermodynamic stability) indicates that this missense variant is not expected to disrupt PROM1 protein function with a negative predictive value of 80%. In summary, the available evidence is currently insufficient to determine the role of this variant in disease. Therefore, it has been classified as a Variant of Uncertain Significance.

Ambry Genetics
Classification: Uncertain significance for Inborn genetic diseases. Last evaluated: 2024-11-13. Review status: criteria provided, single submitter. Criteria: Ambry Variant Classification Scheme 2023. Collection method: clinical testing. Allele origin: germline.